The following is an entry in ClinVar:

ClinVar aggregate classification (germline): Uncertain significance. Review status: criteria provided, multiple submitters, no conflicts (2 of 4 stars). 2 submissions from 2 submitters: Uncertain significance (2). Last evaluated 2025-06-23.

Conditions:
Inborn genetic diseases. Identifiers: MedGen C0950123, MeSH D030342.
Lymphoproliferative syndrome 1 (LPFS1). Identifiers: Orphanet 238505, Orphanet 538963, MedGen C3552634, MONDO:0013081, OMIM 613011.

Submissions (2):

Labcorp Genetics (formerly Invitae), Labcorp
Classification: Uncertain significance for Lymphoproliferative syndrome 1. Last evaluated: 2025-06-23. Review status: criteria provided, single submitter. Criteria: Invitae Variant Classification Sherloc (09022015). Collection method: clinical testing. Allele origin: germline.
Comment: This sequence change replaces serine, which is neutral and polar, with asparagine, which is neutral and polar, at codon 572 of the ITK protein (p.Ser572Asn). This variant is not present in population databases (gnomAD no frequency). This variant has not been reported in the literature in individuals affected with ITK-related conditions. ClinVar contains an entry for this variant (Variation ID: 473142). Invitae Evidence Modeling of protein sequence and biophysical properties (such as structural, functional, and spatial information, amino acid conservation, physicochemical variation, residue mobility, and thermodynamic stability) indicates that this missense variant is not expected to disrupt ITK protein function with a negative predictive value of 80%. In summary, the available evidence is currently insufficient to determine the role of this variant in disease. Therefore, it has been classified as a Variant of Uncertain Significance.

Ambry Genetics
Classification: Uncertain significance for Inborn genetic diseases. Last evaluated: 2024-11-26. Review status: criteria provided, single submitter. Criteria: Ambry Variant Classification Scheme 2023. Collection method: clinical testing. Allele origin: germline.

NM_005546.4(ITK):c.1715G>A (p.Ser572Asn)

Gene: ITK (IL2 inducible T cell kinase; plus strand). Cytogenetic location: 5q33.3.
Variant type: single nucleotide variant.
Coding change: c.1715G>A on transcript NM_005546.4 (MANE Select); coding-DNA position 1715, G replaced by A.
Protein change: p.Ser572Asn; replaces serine 572 with asparagine.
Molecular consequence: missense variant.
Genome position (GRCh38, 1-based): chr5:157,248,931, G>A. VCF-style: chr5-157248931-G-A. GRCh37 (hg19) VCF-style: chr5-156675941-G-A.
Other names: short protein forms S572N.
Identifiers: ClinVar variation 473142 (VCV000473142.3), dbSNP rs140542010, ClinGen allele CA361963203.
Genomic context (GRCh38, chr5:157,248,931, plus strand): 5'-TCAGTGAAGGCAAAATCCCGTATGAAAACCGAAGCAACTCAGAGGTGGTGGAAGACATCA[G>A]TACCGGATTTCGGTTGTACAAGCCCCGGCTGGCCTCCACACACGTCTACCAGATTATGAA-3'
Protein context (NP_005537.3, residues 562-582): RSNSEVVEDI[Ser572Asn]TGFRLYKPRL